The following is an entry in ClinVar:

ClinVar aggregate classification (germline): Conflicting classifications of pathogenicity. Review status: criteria provided, conflicting classifications (1 of 4 stars). 2 submissions from 2 submitters: Uncertain significance (1); Likely benign (1). Last evaluated 2025-11-20.

Allele frequency attached by ClinVar (database versions not stated): TOPMed below 0.00001; gnomAD exomes 0.00001 and 0.00002; ExAC 0.00002.
gnomAD v4.1: 14 of 1,614,114 alleles (0.00087%); highest among the groups gnomAD compares: East Asian, 0.011%; no homozygotes.

Submissions (2):

Labcorp Genetics (formerly Invitae), Labcorp
Classification: Uncertain significance. Last evaluated: 2025-11-20. Review status: criteria provided, single submitter. Criteria: Invitae Variant Classification Sherloc (09022015). Collection method: clinical testing. Allele origin: germline.
Comment: This sequence change falls in intron 38 of the FLNB gene. It does not directly change the encoded amino acid sequence of the FLNB protein. It affects a nucleotide within the consensus splice site. This variant is present in population databases (rs762939480, gnomAD 0.02%). This variant has not been reported in the literature in individuals affected with FLNB-related conditions. ClinVar contains an entry for this variant (Variation ID: 1426967). Variants that disrupt the consensus splice site are a relatively common cause of aberrant splicing (PMID: 17576681, 9536098). Algorithms developed to predict the effect of sequence changes on RNA splicing suggest that this variant is not likely to affect RNA splicing. In summary, the available evidence is currently insufficient to determine the role of this variant in disease. Therefore, it has been classified as a Variant of Uncertain Significance.

Blueprint Genetics
Classification: Likely benign. Last evaluated: 2024-08-07. Review status: criteria provided, single submitter. Criteria: ACMG Guidelines, 2015. Collection method: clinical testing. Allele origin: germline.

Literature cited by the submitters: PubMed 17576681 (cited by Labcorp Genetics (formerly Invitae), Labcorp); PubMed 9536098 (cited by Labcorp Genetics (formerly Invitae), Labcorp).

NM_001457.4(FLNB):c.6367+6C>T

Gene: FLNB (filamin B; plus strand). Cytogenetic location: 3p14.3.
Variant type: single nucleotide variant.
Coding change: c.6367+6C>T on transcript NM_001457.4 (MANE Select); 6 bases into the intron after coding-DNA position 6367, C replaced by T.
Molecular consequence: intron variant.
Genome position (GRCh38, 1-based): chr3:58,150,233, C>T. VCF-style: chr3-58150233-C-T. GRCh37 (hg19) VCF-style: chr3-58135960-C-T.
Other names: c.6460+6C>T (NM_001164317.2); c.6334+6C>T (NM_001164318.2); c.6295+6C>T (NM_001164319.2).
Identifiers: ClinVar variation 1426967 (VCV001426967.7), dbSNP rs762939480, ClinGen allele CA2469327.
Genomic context (GRCh38, chr3:58,150,233, plus strand): 5'-GCCCCGTCCGTGGCCACTGTCGGGAGCATTTGTGACCTGAACCTGAAAATCCCAGGTGGG[C>T]GTCGGGGACTAGTAGGGTGGGGAAGCCTTGGCTCCAGCCTTCAGGGCAGTGGGTGCCTTT-3'